The following is an entry in ClinVar:

ClinVar aggregate classification (germline): Benign/Likely benign. Review status: criteria provided, multiple submitters, no conflicts (2 of 4 stars). 4 submissions from 4 submitters: Benign (3); Likely benign (1). Last evaluated 2026-01-05.

Allele frequency attached by ClinVar (database versions not stated): ESP Exome Variant Server 0.00049; gnomAD exomes 0.00154 and 0.00328; TOPMed 0.00211; gnomAD 0.00227; ExAC 0.00368; 1000 Genomes Project 30x 0.00671; 1000 Genomes Project 0.00799.
gnomAD v4.1: 2,648 of 1,613,338 alleles (0.16%); highest among the groups gnomAD compares: East Asian, 2.6%; 23 homozygotes.

Submissions (4):

Labcorp Genetics (formerly Invitae), Labcorp
Classification: Benign. Last evaluated: 2026-01-05. Review status: criteria provided, single submitter. Criteria: Invitae Variant Classification Sherloc (09022015). Collection method: clinical testing. Allele origin: germline.

Blueprint Genetics
Classification: Likely benign. Last evaluated: 2024-11-07. Review status: criteria provided, single submitter. Criteria: ACMG Guidelines, 2015. Collection method: clinical testing. Allele origin: germline.

Athena Diagnostics
Classification: Benign. Last evaluated: 2019-12-03. Review status: criteria provided, single submitter. Criteria: Athena Diagnostics Criteria. Collection method: clinical testing. Allele origin: unknown.

GeneDx
Classification: Benign. Last evaluated: 2018-03-12. Review status: criteria provided, single submitter. Criteria: GeneDx Variant Classification (06012015). Collection method: clinical testing. Allele origin: germline. Affected: yes.
Comment: This variant is considered likely benign or benign based on one or more of the following criteria: it is a conservative change, it occurs at a poorly conserved position in the protein, it is predicted to be benign by multiple in silico algorithms, and/or has population frequency not consistent with disease.

Literature cited by the submitters: PubMed 23562982 (cited by Athena Diagnostics).

NM_001042517.2(DIAPH3):c.1733C>T (p.Pro578Leu)

Gene: DIAPH3 (diaphanous related formin 3; minus strand). Cytogenetic location: 13q21.2.
Variant type: single nucleotide variant.
Coding change: c.1733C>T on transcript NM_001042517.2 (MANE Select); coding-DNA position 1733, C replaced by T.
Protein change: p.Pro578Leu; replaces proline 578 with leucine.
Molecular consequence: missense variant.
Genome position (GRCh38, 1-based): chr13:59,971,078, G>A on the plus strand (C>T on the coding strand, the complement: DIAPH3 is on the minus strand). VCF-style: chr13-59971078-G-A. GRCh37 (hg19) VCF-style: chr13-60545212-G-A.
Other names: c.1700C>T, p.Pro567Leu (NM_001258366.2); c.1595C>T, p.Pro532Leu (NM_001258367.2); c.1523C>T, p.Pro508Leu (NM_001258368.2); c.1733C>T, p.Pro578Leu (NM_001258369.2); c.944C>T, p.Pro315Leu (NM_001258370.2, NM_030932.4); short protein forms P578L, P315L, P567L, P532L, P508L.
Identifiers: ClinVar variation 511181 (VCV000511181.13), dbSNP rs76366906, ClinGen allele CA6996596.
Genomic context (GRCh38, chr13:59,971,078, plus strand): 5'-GGAGGAGGTGGTGGGGGAGGAGGTGGAGGCGGCACCCCTCCACCAGAAGGCAGTGGAGGC[G>A]GAGGAGGAAGTGCTGAGTGGCCAGTTCCACCTTCTTTAGAGGGAGGCAAAGGAATATTAC-3'
Protein context (NP_001035982.1, residues 568-588): GGTGHSALPP[Pro578Leu]PPLPSGGGVP